The following is an entry in ClinVar:

ClinVar aggregate classification (germline): Pathogenic (1 of 4 stars; one submission).

Allele frequency attached by ClinVar (database versions not stated): TOPMed 0.00001.

Submission:

Labcorp Genetics (formerly Invitae), Labcorp
Classification: Pathogenic. Last evaluated: 2023-09-27. Review status: criteria provided, single submitter. Criteria: Invitae Variant Classification Sherloc (09022015). Collection method: clinical testing. Allele origin: germline.
Comment: For these reasons, this variant has been classified as Pathogenic. This variant has not been reported in the literature in individuals affected with CDK5RAP2-related conditions. This variant is not present in population databases (gnomAD no frequency). This sequence change creates a premature translational stop signal (p.Gln972*) in the CDK5RAP2 gene. It is expected to result in an absent or disrupted protein product. Loss-of-function variants in CDK5RAP2 are known to be pathogenic (PMID: 15793586, 20460369, 26436113).

Literature cited by the submitters: PubMed 15793586; PubMed 20460369; PubMed 26436113.

NM_018249.6(CDK5RAP2):c.2914C>T (p.Gln972Ter)

Gene: CDK5RAP2 (CDK5 regulatory subunit associated protein 2; minus strand). Cytogenetic location: 9q33.2.
Variant type: single nucleotide variant.
Coding change: c.2914C>T on transcript NM_018249.6 (MANE Select); coding-DNA position 2914, C replaced by T.
Protein change: p.Gln972Ter; replaces glutamine 972 with a stop codon.
Molecular consequence: nonsense. On other transcripts: non-coding transcript variant (5).
Genome position (GRCh38, 1-based): chr9:120,448,006, G>A on the plus strand (C>T on the coding strand, the complement: CDK5RAP2 is on the minus strand). VCF-style: chr9-120448006-G-A. GRCh37 (hg19) VCF-style: chr9-123210284-G-A.
Other names: c.2914C>T, p.Gln972Ter (NM_001011649.3); c.2224C>T, p.Gln742Ter (NM_001272039.2); c.2815C>T, p.Gln939Ter (NM_001410992.1); c.2818C>T, p.Gln940Ter (NM_001410993.1); c.2911C>T, p.Gln971Ter (NM_001410994.1); short protein forms Q939*, Q940*, Q971*, Q972*, Q742*.
Identifiers: ClinVar variation 2714845 (VCV002714845.3), dbSNP rs1023258232, ClinGen allele CA199331381.
Genomic context (GRCh38, chr9:120,448,006, plus strand): 5'-CCAGAATTAACTTTTGGTGAAGTTGCTTATTACAAGTTTTAAACTCCTTCAGCTCCCCCT[G>A]CAGCTCCAAGATCTGGCTCTGCAGCTGCGTCACCACCTCCTGGGTGGCAGGGAGACGATA-3'